The following is an entry in ClinVar:

ClinVar aggregate classification (germline): Conflicting classifications of pathogenicity. Review status: criteria provided, conflicting classifications (1 of 4 stars). 5 submissions from 5 submitters: Uncertain significance (2); Likely benign (3). Last evaluated 2025-04-08.

Conditions:
Inborn genetic diseases. Identifiers: MedGen C0950123, MeSH D030342.
DSPP-related disorder. Also called: DSPP-related condition.

Allele frequency attached by ClinVar (database versions not stated): gnomAD exomes 0.00004; TOPMed 0.00008; ExAC 0.00014; gnomAD 0.00003.
gnomAD v4.1: 59 of 1,614,110 alleles (0.0037%); highest among the groups gnomAD compares: Admixed American, 0.09%; no homozygotes.

Submissions (5):

PreventionGenetics, part of Exact Sciences
Classification: Likely benign for DSPP-related condition. Last evaluated: 2025-04-08. Review status: criteria provided, single submitter. Criteria: ACMG Guidelines, 2015. Collection method: clinical testing. Allele origin: germline.
Comment: This variant is classified as likely benign based on ACMG/AMP sequence variant interpretation guidelines (Richards et al. 2015 PMID: 25741868, with internal and published modifications).

Women's Health and Genetics/Laboratory Corporation of America, LabCorp
Classification: Likely benign. Last evaluated: 2025-02-11. Review status: criteria provided, single submitter. Criteria: LabCorp Variant Classification Summary - May 2015. Collection method: clinical testing. Allele origin: germline.
Comment: Variant summary: DSPP c.1202A>G (p.Asp401Gly) results in a non-conservative amino acid change in the encoded protein sequence. Three of four in-silico tools predict a benign effect of the variant on protein function. The variant allele was found at a frequency of 0.0002 in 249426 control chromosomes, predominantly at a frequency of 0.0014 within the Latino subpopulation in the gnomAD database. The observed variant frequency within Latino control individuals in the gnomAD database exceeds the estimated maximal expected allele frequency for a pathogenic variant in DSPP causing Dentinogenesis Imperfecta Type 2 phenotype. To our knowledge, no occurrence of c.1202A>G in individuals affected with Dentinogenesis Imperfecta Type 2 and no experimental evidence demonstrating its impact on protein function have been reported. ClinVar contains an entry for this variant (Variation ID: 2225842). Based on the evidence outlined above, the variant was classified as likely benign.

GeneDx
Classification: Uncertain significance. Last evaluated: 2023-10-16. Review status: criteria provided, single submitter. Criteria: GeneDx Variant Classification Process June 2021. Collection method: clinical testing. Allele origin: germline. Affected: yes.
Comment: In silico analysis supports that this missense variant does not alter protein structure/function; Has not been previously published as pathogenic or benign to our knowledge

Blueprint Genetics
Classification: Likely benign. Last evaluated: 2023-06-28. Review status: criteria provided, single submitter. Criteria: ACMG Guidelines, 2015. Collection method: clinical testing. Allele origin: germline.

Ambry Genetics
Classification: Uncertain significance for Inborn genetic diseases. Last evaluated: 2022-10-04. Review status: criteria provided, single submitter. Criteria: Ambry Variant Classification Scheme 2023. Collection method: clinical testing. Allele origin: germline.

NM_014208.3(DSPP):c.1202A>G (p.Asp401Gly)

Genes: DMP1-AS1 (DMP1 and DSPP antisense RNA 1; minus strand), DSPP (dentin sialophosphoprotein; plus strand). Cytogenetic location: 4q22.1.
Variant type: single nucleotide variant.
Coding change: c.1202A>G on transcript NM_014208.3 (MANE Select); coding-DNA position 1202, A replaced by G.
Protein change: p.Asp401Gly; replaces aspartic acid 401 with glycine.
Molecular consequence: missense variant.
Genome position (GRCh38, 1-based): chr4:87,613,864, A>G. VCF-style: chr4-87613864-A-G. GRCh37 (hg19) VCF-style: chr4-88535016-A-G.
Other names: short protein forms D401G.
Identifiers: ClinVar variation 2225842 (VCV002225842.6), dbSNP rs770798435, ClinGen allele CA3001057.